The following is an entry in ClinVar:

NM_007118.4(TRIO):c.3585_3586del (p.Arg1195fs)

Gene: TRIO (trio Rho guanine nucleotide exchange factor; plus strand). Cytogenetic location: 5p15.2.
Variant type: Microsatellite.
Coding change: c.3585_3586del on transcript NM_007118.4 (MANE Select); coding-DNA positions 3585 to 3586, 2 bases deleted (AG; older notation c.3585_3586delAG).
Protein change: p.Arg1195fs; shifts the reading frame from arginine 1195.
Molecular consequence: frameshift variant. On other transcripts: non-coding transcript variant (1).
Genome position (GRCh38, 1-based): chr5:14,387,452-14,387,453, AG deleted; deleting any 2 consecutive bases within chr5:14,387,446-14,387,453 gives the same sequence; the c. name uses the placement nearest the transcript's 3' end. VCF-style (leftmost placement, unchanged base first): chr5-14387445-AAG-A. GRCh37 (hg19) VCF-style: chr5-14387554-AAG-A.
Other names: short protein forms R1195fs.
Identifiers: ClinVar variation 4540014 (VCV004540014.1).

ClinVar aggregate classification (germline): Pathogenic (1 of 4 stars; one submission).

Submission:

GeneDx
Classification: Pathogenic. Last evaluated: 2025-06-28. Review status: criteria provided, single submitter. Criteria: GeneDx Variant Classification Process June 2021. Collection method: clinical testing. Allele origin: germline. Affected: yes.
Comment: Not observed at significant frequency in large population cohorts (gnomAD); Has not been previously published as pathogenic or benign to our knowledge; Frameshift variant predicted to result in protein truncation or nonsense mediated decay in a gene for which loss of function is a known mechanism of disease